The following is an entry in ClinVar:

ClinVar aggregate classification (germline): Uncertain significance (1 of 4 stars; one submission).

Allele frequency attached by ClinVar (database versions not stated): gnomAD exomes below 0.00001.
gnomAD v4.1: 1 of 1,613,170 alleles (0.000062%); highest among the groups gnomAD compares: Non-Finnish European, 0.000085%; no homozygotes.

Submission:

Labcorp Genetics (formerly Invitae), Labcorp
Classification: Uncertain significance. Last evaluated: 2022-08-24. Review status: criteria provided, single submitter. Criteria: Invitae Variant Classification Sherloc (09022015). Collection method: clinical testing. Allele origin: germline.
Comment: Advanced modeling of protein sequence and biophysical properties (such as structural, functional, and spatial information, amino acid conservation, physicochemical variation, residue mobility, and thermodynamic stability) performed at Invitae indicates that this missense variant is not expected to disrupt ACO2 protein function. In summary, the available evidence is currently insufficient to determine the role of this variant in disease. Therefore, it has been classified as a Variant of Uncertain Significance. This variant has not been reported in the literature in individuals affected with ACO2-related conditions. This variant is not present in population databases (gnomAD no frequency). This sequence change replaces isoleucine, which is neutral and non-polar, with leucine, which is neutral and non-polar, at codon 442 of the ACO2 protein (p.Ile442Leu).

NM_001098.3(ACO2):c.1324A>C (p.Ile442Leu)

Gene: ACO2 (aconitase 2; plus strand). Cytogenetic location: 22q13.2.
Variant type: single nucleotide variant.
Coding change: c.1324A>C on transcript NM_001098.3 (MANE Select); coding-DNA position 1324, A replaced by C.
Protein change: p.Ile442Leu; replaces isoleucine 442 with leucine.
Molecular consequence: missense variant.
Genome position (GRCh38, 1-based): chr22:41,523,232, A>C. VCF-style: chr22-41523232-A-C. GRCh37 (hg19) VCF-style: chr22-41919236-A-C.
Other names: short protein forms I442L.
Identifiers: ClinVar variation 2003938 (VCV002003938.4), dbSNP rs1357163633, ClinGen allele CA411725543.